The following is an entry in ClinVar:

ClinVar aggregate classification (germline): Uncertain significance. Review status: criteria provided, multiple submitters, no conflicts (2 of 4 stars). 2 submissions from 2 submitters: Uncertain significance (2). Last evaluated 2025-11-20.

Conditions:
Lynch syndrome 5 (LYNCH5). Also called: Hereditary non-polyposis colorectal cancer, type 5; Colorectal cancer, hereditary nonpolyposis, type 5. Identifiers: Orphanet 144, MedGen C1833477, MONDO:0013710, OMIM 614350. Disease mechanism: loss of function.
Hereditary nonpolyposis colorectal neoplasms. Identifiers: MedGen C0009405, MeSH D003123.

Submissions (2):

Helix
Classification: Uncertain significance for Lynch syndrome 5. Last evaluated: 2025-11-20. Review status: criteria provided, single submitter. Criteria: ACMG Guidelines, 2015. Collection method: clinical testing. Allele origin: germline. Inheritance: Autosomal dominant inheritance.
Comment: This variant (NM_000179.3:c.3337A>C p.Ile1113Leu) results in the substitution of isoleucine with leucine at codon 1113 in the MSH6 protein. It is a rare variant that is absent from the large gnomAD population database (v4.1). To our knowledge, this variant has not been reported in individuals with MSH6-related conditions in the published literature. In silico prediction from the HCI Database of Prior Probabilities of Pathogenicity suggests that this variant may be benign. In conclusion, since the available evidence is limited, the clinical significance of this variant is unclear at this time. Therefore, it is classified as a Variant of Uncertain Significance.

Labcorp Genetics (formerly Invitae), Labcorp
Classification: Uncertain significance for Hereditary nonpolyposis colorectal neoplasms. Last evaluated: 2025-07-28. Review status: criteria provided, single submitter. Criteria: Invitae Variant Classification Sherloc (09022015). Collection method: clinical testing. Allele origin: germline.
Comment: This sequence change replaces isoleucine, which is neutral and non-polar, with leucine, which is neutral and non-polar, at codon 1113 of the MSH6 protein (p.Ile1113Leu). This variant is not present in population databases (gnomAD no frequency). This variant has not been reported in the literature in individuals affected with MSH6-related conditions. Invitae Evidence Modeling of protein sequence and biophysical properties (such as structural, functional, and spatial information, amino acid conservation, physicochemical variation, residue mobility, and thermodynamic stability) indicates that this missense variant is not expected to disrupt MSH6 protein function with a negative predictive value of 95%. In summary, the available evidence is currently insufficient to determine the role of this variant in disease. Therefore, it has been classified as a Variant of Uncertain Significance.

NM_000179.3(MSH6):c.3337A>C (p.Ile1113Leu)

Gene: MSH6 (mutS homolog 6; plus strand). Cytogenetic location: 2p16.3.
Variant type: single nucleotide variant.
Coding change: c.3337A>C on transcript NM_000179.3 (MANE Select); coding-DNA position 3337, A replaced by C.
Protein change: p.Ile1113Leu; replaces isoleucine 1113 with leucine.
Molecular consequence: missense variant. On other transcripts: non-coding transcript variant (5), intron variant (1).
Genome position (GRCh38, 1-based): chr2:47,803,584, A>C. VCF-style: chr2-47803584-A-C. GRCh37 (hg19) VCF-style: chr2-48030723-A-C.
Other names: c.1771A>C, p.Ile591Leu (NM_001406817.1); c.3040A>C, p.Ile1014Leu (NM_001406818.1, NM_001406819.1, NM_001406820.1 and 10 more transcripts); c.2431A>C, p.Ile811Leu (NM_001406823.1, NM_001406829.1, NM_001406815.1 and 6 more transcripts); c.3169A>C, p.Ile1057Leu (NM_001406826.1); c.118A>C, p.Ile40Leu (NM_001406831.1); c.184A>C, p.Ile62Leu (NM_001406832.1); c.1282A>C, p.Ile428Leu (NM_001407362.1); c.3173-10A>C (NM_001406798.1); and 7 more; short protein forms I1014L, I1057L, I1087L, I1113L, I1115L, I1145L, I40L, I428L.
Identifiers: ClinVar variation 4800225 (VCV004800225.2).